The following is an entry in ClinVar:

NM_013275.6(ANKRD11):c.6658G>C (p.Ala2220Pro)

Gene: ANKRD11 (ankyrin repeat domain 11; minus strand). Cytogenetic location: 16q24.3.
Variant type: single nucleotide variant.
Coding change: c.6658G>C on transcript NM_013275.6 (MANE Select); coding-DNA position 6658, G replaced by C.
Protein change: p.Ala2220Pro; replaces alanine 2220 with proline.
Molecular consequence: missense variant.
Genome position (GRCh38, 1-based): chr16:89,279,884, C>G on the plus strand (G>C on the coding strand, the complement: ANKRD11 is on the minus strand). VCF-style: chr16-89279884-C-G. GRCh37 (hg19) VCF-style: chr16-89346292-C-G.
Other names: c.6658G>C, p.Ala2220Pro (NM_001256182.2, NM_001256183.2); short protein forms A2220P.
Identifiers: ClinVar variation 4811018 (VCV004811018.1).

ClinVar aggregate classification (germline): Uncertain significance (1 of 4 stars; one submission).

Conditions:
KBG syndrome (KBGS). Also called: ANKRD11-Related KBG Syndrome. Identifiers: Orphanet 2332, MedGen C0220687, MONDO:0007846, OMIM 148050.

Submission:

Labcorp Genetics (formerly Invitae), Labcorp
Classification: Uncertain significance for KBG syndrome. Last evaluated: 2025-09-24. Review status: criteria provided, single submitter. Criteria: Invitae Variant Classification Sherloc (09022015). Collection method: clinical testing. Allele origin: germline.
Comment: This sequence change replaces alanine, which is neutral and non-polar, with proline, which is neutral and non-polar, at codon 2220 of the ANKRD11 protein (p.Ala2220Pro). This variant is not present in population databases (gnomAD no frequency). This variant has not been reported in the literature in individuals affected with ANKRD11-related conditions. Invitae Evidence Modeling of protein sequence and biophysical properties (such as structural, functional, and spatial information, amino acid conservation, physicochemical variation, residue mobility, and thermodynamic stability) indicates that this missense variant is not expected to disrupt ANKRD11 protein function with a negative predictive value of 95%. In summary, the available evidence is currently insufficient to determine the role of this variant in disease. Therefore, it has been classified as a Variant of Uncertain Significance.